The following is an entry in ClinVar:

ClinVar aggregate classification (germline): Benign. Review status: criteria provided, multiple submitters, no conflicts (2 of 4 stars). 11 submissions from 10 submitters: Benign (8). 3 of the submissions do not count toward it. Last evaluated 2026-02-04.

Conditions:
Microcephaly 9, primary, autosomal recessive. Identifiers: Orphanet 2512, MedGen C3553886, MONDO:0013923, OMIM 614852.
Seckel syndrome 5 (SCKL5). Identifiers: Orphanet 808, MedGen C3151187, MONDO:0013443, OMIM 613823.

Allele frequency attached by ClinVar (database versions not stated): 1000 Genomes Project 0.34465; 1000 Genomes Project 30x 0.34525; gnomAD 0.39565 and 0.39693; ExAC 0.39745; gnomAD exomes 0.39929 and 0.44239; TOPMed 0.40196; ESP Exome Variant Server 0.41284.
gnomAD v4.1: 703,909 of 1,607,084 alleles (44%); highest among the groups gnomAD compares: Middle Eastern, 48%; 157,597 homozygotes.

Submissions (11):

Labcorp Genetics (formerly Invitae), Labcorp
Classification: Benign. Last evaluated: 2026-02-04. Review status: criteria provided, single submitter. Criteria: Invitae Variant Classification Sherloc (09022015). Collection method: clinical testing. Allele origin: germline.

Blueprint Genetics
Classification: Benign. Last evaluated: 2024-11-27. Review status: criteria provided, single submitter. Criteria: ACMG Guidelines, 2015. Collection method: clinical testing. Allele origin: germline.

Illumina Laboratory Services, Illumina
Classification: Benign for Microcephaly 9, primary, autosomal recessive. Last evaluated: 2018-01-12. Review status: criteria provided, single submitter. Criteria: ICSL Variant Classification Criteria 13 December 2019. Collection method: clinical testing. Allele origin: germline.
Comment: This variant was observed in the ICSL laboratory as part of a predisposition screen in an ostensibly healthy population. It had not been previously curated by ICSL or reported in the Human Gene Mutation Database (HGMD: prior to June 1st, 2018), and was therefore a candidate for classification through an automated scoring system. Utilizing variant allele frequency, disease prevalence and penetrance estimates, and inheritance mode, an automated score was calculated to assess if this variant is too frequent to cause the disease. Based on the score and internal cut-off values, a variant classified as benign is not then subjected to further curation. The score for this variant resulted in a classification of benign for this disease.

Illumina Laboratory Services, Illumina
Classification: Benign for Seckel syndrome 5. Last evaluated: 2018-01-12. Review status: criteria provided, single submitter. Criteria: ICSL Variant Classification Criteria 13 December 2019. Collection method: clinical testing. Allele origin: germline.
Comment: the same text as in the submission from Illumina Laboratory Services, Illumina above.

GeneDx
Classification: Benign. Last evaluated: 2015-03-03. Review status: criteria provided, single submitter. Criteria: GeneDx Variant Classification Process June 2021. Collection method: clinical testing. Allele origin: germline. Affected: yes.

Genetic Services Laboratory, University of Chicago
Classification: Benign. Last evaluated: 2013-02-08. Review status: criteria provided, single submitter. Criteria: ACMG Guidelines, 2007. Collection method: clinical testing. Allele origin: germline. Inheritance: Autosomal recessive inheritance.

Breakthrough Genomics
Classification: Benign. Review status: criteria provided, single submitter. Criteria: ACMG Guidelines, 2015. Collection method: not provided. Allele origin: germline. Inheritance: Autosomal recessive inheritance. Affected: yes.

PreventionGenetics, part of Exact Sciences
Classification: Benign. Review status: criteria provided, single submitter. Criteria: ACMG Guidelines, 2015. Collection method: clinical testing. Allele origin: germline.

Clinical Genetics DNA and cytogenetics Diagnostics Lab, Erasmus MC, Erasmus Medical Center
Classification: Benign. Review status: no assertion criteria provided. Collection method: clinical testing. Allele origin: germline. Affected: yes. Study: VKGL Data-share Consensus. Not counted in ClinVar's aggregate classification.

Diagnostic Laboratory, Department of Genetics, University Medical Center Groningen
Classification: Benign. Review status: no assertion criteria provided. Collection method: clinical testing. Allele origin: germline. Affected: yes. Study: VKGL Data-share Consensus. Not counted in ClinVar's aggregate classification.

Joint Genome Diagnostic Labs from Nijmegen and Maastricht, Radboudumc and MUMC+
Classification: Benign. Review status: no assertion criteria provided. Collection method: clinical testing. Allele origin: germline. Affected: yes. Study: VKGL Data-share Consensus. Not counted in ClinVar's aggregate classification.

NM_001194998.2(CEP152):c.833-4G>A

Gene: CEP152 (centrosomal protein 152; minus strand). Cytogenetic location: 15q21.1.
Variant type: single nucleotide variant.
Coding change: c.833-4G>A on transcript NM_001194998.2 (MANE Select); 4 bases into the intron before coding-DNA position 833, G replaced by A.
Molecular consequence: intron variant.
Genome position (GRCh38, 1-based): chr15:48,791,380, C>T on the plus strand (G>A on the coding strand, the complement: CEP152 is on the minus strand). VCF-style: chr15-48791380-C-T. GRCh37 (hg19) VCF-style: chr15-49083577-C-T.
Other names: c.833-4G>A (NM_014985.4).
Identifiers: ClinVar variation 158274 (VCV000158274.27), dbSNP rs58156069, ClinGen allele CA171741.
Genomic context (GRCh38, chr15:48,791,380, plus strand): 5'-CATTCTGAAAGAGTTTCTGTGATTCTCGAAGGCTGAGAGTCAAACCATCCTTTTCATCTA[C>T]GGTATTAAAAATGTTTATATAAATAATGTTCCTGTAGAGGGACCCCAATGTCACAATCCC-3'